The following is an entry in ClinVar:

ClinVar aggregate classification (germline): Conflicting classifications of pathogenicity. Review status: criteria provided, conflicting classifications (1 of 4 stars). 10 submissions from 10 submitters: Uncertain significance (6); Benign (1); Likely benign (2). 1 of the submissions does not count toward it. Last evaluated 2026-09-08.

Conditions:
Mandibular hypoplasia-deafness-progeroid syndrome. Also called: Mandibular hypoplasia, deafness, progeroid features, and lipodystrophy syndrome. Identifiers: Orphanet 363649, MedGen C3715192, MONDO:0014157, OMIM 615381.
POLD1-related polyposis and colorectal cancer syndrome (CRCS10). Also called: Colorectal cancer 10; COLORECTAL CANCER, SUSCEPTIBILITY TO, ON CHROMOSOME 19q; Colorectal cancer, susceptibility to, 10. Identifiers: Orphanet 220460, MedGen C2675481, MONDO:0012953, OMIM 612591.
Hereditary cancer-predisposing syndrome. Also called: Tumor predisposition; Hereditary Cancer Syndrome; Neoplastic Syndromes, Hereditary; Hereditary neoplastic syndrome. Identifiers: Orphanet 140162, MedGen C0027672, MeSH D009386, MONDO:0015356.

Allele frequency attached by ClinVar (database versions not stated): gnomAD exomes 0.00004 and 0.00009; gnomAD 0.00005; ExAC 0.00008; TOPMed 0.00008; ESP Exome Variant Server 0.00015.
gnomAD v4.1: 73 of 1,613,852 alleles (0.0045%); highest among the groups gnomAD compares: Admixed American, 0.022%; no homozygotes.

Submissions (10):

GeneDx
Classification: Uncertain significance. Last evaluated: 2026-09-08. Review status: criteria provided, single submitter. Criteria: GeneDx Variant Classification Process June 2021. Collection method: clinical testing. Allele origin: germline.
Comment: In silico analysis suggests that this missense variant does not alter protein structure/function; Has not been previously published as pathogenic or benign to our knowledge; This variant is associated with the following publications: (PMID: 27071721, 24265153, 25228659, 20951805)

Labcorp Genetics (formerly Invitae), Labcorp
Classification: Uncertain significance for POLD1-related polyposis and colorectal cancer syndrome. Last evaluated: 2026-01-25. Review status: criteria provided, single submitter. Criteria: Invitae Variant Classification Sherloc (09022015). Collection method: clinical testing. Allele origin: germline.
Comment: This sequence change replaces threonine, which is neutral and polar, with methionine, which is neutral and non-polar, at codon 441 of the POLD1 protein (p.Thr441Met). This variant is present in population databases (rs376711125, gnomAD 0.02%). This variant has not been reported in the literature in individuals affected with POLD1-related conditions. ClinVar contains an entry for this variant (Variation ID: 239230). Invitae Evidence Modeling of protein sequence and biophysical properties (such as structural, functional, and spatial information, amino acid conservation, physicochemical variation, residue mobility, and thermodynamic stability) indicates that this missense variant is not expected to disrupt POLD1 protein function with a negative predictive value of 80%. In summary, the available evidence is currently insufficient to determine the role of this variant in disease. Therefore, it has been classified as a Variant of Uncertain Significance.

Center for Genomic Medicine, Rigshospitalet, Copenhagen University Hospital
Classification: Uncertain significance. Last evaluated: 2025-12-29. Review status: criteria provided, single submitter. Criteria: ACMG Guidelines, 2015. Collection method: clinical testing. Allele origin: germline.

Quest Diagnostics Nichols Institute San Juan Capistrano
Classification: Uncertain significance. Last evaluated: 2025-10-13. Review status: criteria provided, single submitter. Criteria: Quest Diagnostics criteria. Collection method: clinical testing. Allele origin: unknown.
Comment: The POLD1 c.1322C>T (p.Thr441Met) variant has not been reported in individuals with POLD1-related conditions in the published literature. The frequency of this variant in the general population (Genome Aggregation Database) is uninformative in the assessment of its pathogenicity. Analysis of this variant using bioinformatics tools for the prediction of the effect of amino acid changes on protein structure and function yielded predictions that this variant is benign. Based on the available information, we are unable to determine the clinical significance of this variant.

Molecular Diagnostics Laboratory, Catalan Institute of Oncology
Classification: Benign for Hereditary cancer-predisposing syndrome. Last evaluated: 2025-07-29. Review status: criteria provided, single submitter. Criteria: Submitter's publication. Collection method: clinical testing. Allele origin: germline.
Comment: BA1, BP4 c.1322C>T, located in exon 11 of the POLD1 gene, is predicted to result in the substitution of a threonine with methionine at codon 441, p.(Thr441Met). The variant allele was found in 8/35092 alleles, at a frequency of 0.02% in the gnomAD v2.1.1 database (non-cancer data set) (BA1). The REVEL meta-predictor score for this variant (0.064) suggests that it does not affect the protein function according to Pejaver, 2022 thresholds (PMID: 36413997) (BP4). To our knowledge, neither relevant clinical data nor well-established functional studies have been reported for this variant. It has been reported in ClinVar (5x uncertain significance, 2x likely benign) and has not been reported in LOVD. Based on currently available information, c.1322C>T is classified as a benign variant according to Mur et al. 2023 (PMID: 37848928) recommendations.

CeGaT Center for Human Genetics Tuebingen
Classification: Uncertain significance. Last evaluated: 2025-07-01. Review status: criteria provided, single submitter. Criteria: CeGaT Center For Human Genetics Tuebingen Variant Classification Criteria Version 2. Collection method: clinical testing. Allele origin: germline. Affected: yes. Observed: 3 variant alleles.

Blueprint Genetics
Classification: Likely benign. Last evaluated: 2024-11-15. Review status: criteria provided, single submitter. Criteria: ACMG Guidelines, 2015. Collection method: clinical testing. Allele origin: germline.

Ambry Genetics
Classification: Likely benign for Hereditary cancer-predisposing syndrome. Last evaluated: 2024-03-11. Review status: criteria provided, single submitter. Criteria: Ambry Variant Classification Scheme 2023. Collection method: clinical testing. Allele origin: germline.

Fulgent Genetics
Classification: Uncertain significance for POLD1-related polyposis and colorectal cancer syndrome; Mandibular hypoplasia-deafness-progeroid syndrome. Last evaluated: 2018-10-31. Review status: criteria provided, single submitter. Criteria: ACMG Guidelines, 2015. Collection method: clinical testing. Allele origin: unknown.

True Health Diagnostics
Classification: Uncertain significance for Hereditary cancer-predisposing syndrome. Last evaluated: 2017-12-01. Review status: no assertion criteria provided. Collection method: clinical testing. Allele origin: germline. Not counted in ClinVar's aggregate classification.

NM_002691.4(POLD1):c.1322C>T (p.Thr441Met)

Gene: POLD1 (DNA polymerase delta 1, catalytic subunit; plus strand). Cytogenetic location: 19q13.33.
Variant type: single nucleotide variant.
Coding change: c.1322C>T on transcript NM_002691.4 (MANE Select); coding-DNA position 1322, C replaced by T.
Protein change: p.Thr441Met; replaces threonine 441 with methionine.
Molecular consequence: missense variant. On other transcripts: non-coding transcript variant (1).
Genome position (GRCh38, 1-based): chr19:50,406,261, C>T. VCF-style: chr19-50406261-C-T. GRCh37 (hg19) VCF-style: chr19-50909518-C-T.
Other names: c.1322C>T, p.Thr441Met (NM_001256849.1, NM_001308632.1); short protein forms T441M.
Identifiers: ClinVar variation 239230 (VCV000239230.73), dbSNP rs376711125, ClinGen allele CA9596106.